The following is an entry in ClinVar:

NM_024675.4(PALB2):c.3305G>A (p.Ser1102Asn)

Gene: PALB2 (partner and localizer of BRCA2; minus strand). Cytogenetic location: 16p12.2.
Variant type: single nucleotide variant.
Coding change: c.3305G>A on transcript NM_024675.4 (MANE Select); coding-DNA position 3305, G replaced by A.
Protein change: p.Ser1102Asn; replaces serine 1102 with asparagine.
Molecular consequence: missense variant. On other transcripts: intron variant (8).
Genome position (GRCh38, 1-based): chr16:23,607,909, C>T on the plus strand (G>A on the coding strand, the complement: PALB2 is on the minus strand). VCF-style: chr16-23607909-C-T. GRCh37 (hg19) VCF-style: chr16-23619230-C-T.
Other names: c.3245G>A, p.Ser1082Asn (NM_001407296.1); c.3233G>A, p.Ser1078Asn (NM_001407297.1); c.3143G>A, p.Ser1048Asn (NM_001407298.1); c.3026G>A, p.Ser1009Asn (NM_001407300.1); c.2420G>A, p.Ser807Asn (NM_001407304.1, NM_001407305.1, NM_001407306.1); c.2258G>A, p.Ser753Asn (NM_001407307.1); c.1517G>A, p.Ser506Asn (NM_001407312.1); c.839G>A, p.Ser280Asn (NM_001407314.1); and 6 more; short protein forms S280N, S1078N, S506N, S807N, S1009N, S1048N, S1082N, S1102N.
Identifiers: ClinVar variation 4130317 (VCV004130317.1).

ClinVar aggregate classification (germline): Uncertain significance (1 of 4 stars; one submission).

Conditions:
Hereditary cancer-predisposing syndrome. Also called: Hereditary neoplastic syndrome; Neoplastic Syndromes, Hereditary; Tumor predisposition; Hereditary Cancer Syndrome. Identifiers: Orphanet 140162, MedGen C0027672, MeSH D009386, MONDO:0015356.

Submission:

Ambry Genetics
Classification: Uncertain significance for Hereditary cancer-predisposing syndrome. Last evaluated: 2025-07-01. Review status: criteria provided, single submitter. Criteria: Ambry Variant Classification Scheme 2023. Collection method: clinical testing. Allele origin: germline.
Comment: The p.S1102N variant (also known as c.3305G>A), located in coding exon 12 of the PALB2 gene, results from a G to A substitution at nucleotide position 3305. The serine at codon 1102 is replaced by asparagine, an amino acid with highly similar properties. This amino acid position is conserved. In addition, this alteration is predicted to be tolerated by in silico analysis. Based on the available evidence, the clinical significance of this variant remains unclear.